The following is an entry in ClinVar:

ClinVar aggregate classification (germline): Uncertain significance. Review status: criteria provided, multiple submitters, no conflicts (2 of 4 stars). 3 submissions from 3 submitters: Uncertain significance (3). Last evaluated 2025-09-16.

Conditions:
Xanthinuria type II. Also called: Xanthine dehydrogenase and aldehyde oxidase combined deficiency of; XDH and AOX dual deficiency. Identifiers: Orphanet 3467, Orphanet 93602, MedGen C1863688, MONDO:0011346, OMIM 603592.

Allele frequency attached by ClinVar (database versions not stated): ExAC 0.00010; gnomAD exomes 0.00012; TOPMed 0.00014; ESP Exome Variant Server 0.00015; gnomAD 0.00019 and 0.00021.
gnomAD v4.1: 367 of 1,613,628 alleles (0.023%); highest among the groups gnomAD compares: Non-Finnish European, 0.029%; no homozygotes.

Submissions (3):

Labcorp Genetics (formerly Invitae), Labcorp
Classification: Uncertain significance for Xanthinuria type II. Last evaluated: 2025-09-16. Review status: criteria provided, single submitter. Criteria: Invitae Variant Classification Sherloc (09022015). Collection method: clinical testing. Allele origin: germline.
Comment: This sequence change replaces glycine, which is neutral and non-polar, with glutamic acid, which is acidic and polar, at codon 577 of the MOCOS protein (p.Gly577Glu). This variant is present in population databases (rs200178020, gnomAD 0.02%). This variant has not been reported in the literature in individuals affected with MOCOS-related conditions. ClinVar contains an entry for this variant (Variation ID: 1010570). Invitae Evidence Modeling of protein sequence and biophysical properties (such as structural, functional, and spatial information, amino acid conservation, physicochemical variation, residue mobility, and thermodynamic stability) indicates that this missense variant is not expected to disrupt MOCOS protein function with a negative predictive value of 80%. In summary, the available evidence is currently insufficient to determine the role of this variant in disease. Therefore, it has been classified as a Variant of Uncertain Significance.

Ambry Genetics
Classification: Uncertain significance. Last evaluated: 2024-11-11. Review status: criteria provided, single submitter. Criteria: Ambry Variant Classification Scheme 2023. Collection method: clinical testing. Allele origin: germline.

Fulgent Genetics
Classification: Uncertain significance for Xanthinuria type II. Last evaluated: 2023-12-27. Review status: criteria provided, single submitter. Criteria: ACMG Guidelines, 2015. Collection method: clinical testing. Allele origin: germline.

NM_017947.4(MOCOS):c.1730G>A (p.Gly577Glu)

Gene: MOCOS (molybdenum cofactor sulfurase; plus strand). Cytogenetic location: 18q12.2.
Variant type: single nucleotide variant.
Coding change: c.1730G>A on transcript NM_017947.4 (MANE Select); coding-DNA position 1730, G replaced by A.
Protein change: p.Gly577Glu; replaces glycine 577 with glutamic acid.
Molecular consequence: missense variant.
Genome position (GRCh38, 1-based): chr18:36,215,910, G>A. VCF-style: chr18-36215910-G-A. GRCh37 (hg19) VCF-style: chr18-33795873-G-A.
Other names: c.1730G>A (NM_017947.2); short protein forms G577E.
Identifiers: ClinVar variation 1010570 (VCV001010570.8), dbSNP rs200178020, ClinGen allele CA8940815.